The following is an entry in ClinVar:

NM_017636.4(TRPM4):c.2646-17A>T

Gene: TRPM4 (transient receptor potential cation channel subfamily M member 4; plus strand). Cytogenetic location: 19q13.33.
Variant type: single nucleotide variant.
Coding change: c.2646-17A>T on transcript NM_017636.4 (MANE Select); 17 bases into the intron before coding-DNA position 2646, A replaced by T.
Molecular consequence: intron variant.
Genome position (GRCh38, 1-based): chr19:49,200,283, A>T. VCF-style: chr19-49200283-A-T. GRCh37 (hg19) VCF-style: chr19-49703540-A-T.
Other names: c.2211-17A>T (NM_001195227.2); c.1038-17A>T (NM_001321282.2); c.2301-17A>T (NM_001321281.2); c.2124-17A>T (NM_001321283.2); c.1584-17A>T (NM_001321285.2).
Identifiers: ClinVar variation 506387 (VCV000506387.12), dbSNP rs116370720, ClinGen allele CA9569611.
Genomic context (GRCh38, chr19:49,200,283, plus strand): 5'-GGATGGCATTGGGAAGACTTCCATTTTCCTTGGCGTCTTGTGACACTTGACCCTTGTGGC[A>T]TCTCCCCACACCCCAGGCTGACCCCGGGTTTGTACCACCTGGGCCGCACTGTCCTCTGCA-3'

ClinVar aggregate classification (germline): Benign. Review status: criteria provided, multiple submitters, no conflicts (2 of 4 stars). 5 submissions from 5 submitters: Benign (5). Last evaluated 2026-01-31.

Conditions:
Progressive familial heart block type IB (PFHB1B). Identifiers: Orphanet 871, MedGen C1970298, MONDO:0011474, OMIM 604559.

Allele frequency attached by ClinVar (database versions not stated): 1000 Genomes Project 30x 0.00250; 1000 Genomes Project 0.00280; ESP Exome Variant Server 0.00323; TOPMed 0.00379.
gnomAD v4.1: 1,229 of 1,613,996 alleles (0.076%); highest among the groups gnomAD compares: African/African-American, 1.2%; 15 homozygotes.

Submissions (5):

Labcorp Genetics (formerly Invitae), Labcorp
Classification: Benign for Progressive familial heart block type IB. Last evaluated: 2026-01-31. Review status: criteria provided, single submitter. Criteria: Invitae Variant Classification Sherloc (09022015). Collection method: clinical testing. Allele origin: germline.

Women's Health and Genetics/Laboratory Corporation of America, LabCorp
Classification: Benign. Last evaluated: 2025-09-05. Review status: criteria provided, single submitter. Criteria: LabCorp Variant Classification Summary - May 2015. Collection method: clinical testing. Allele origin: germline.

Blueprint Genetics
Classification: Benign. Last evaluated: 2024-10-15. Review status: criteria provided, single submitter. Criteria: ACMG Guidelines, 2015. Collection method: clinical testing. Allele origin: germline.

GeneDx
Classification: Benign. Last evaluated: 2017-06-02. Review status: criteria provided, single submitter. Criteria: GeneDx Variant Classification (06012015). Collection method: clinical testing. Allele origin: germline. Affected: yes.
Comment: This variant is considered likely benign or benign based on one or more of the following criteria: it is a conservative change, it occurs at a poorly conserved position in the protein, it is predicted to be benign by multiple in silico algorithms, and/or has population frequency not consistent with disease.

Breakthrough Genomics
Classification: Benign. Review status: criteria provided, single submitter. Criteria: ACMG Guidelines, 2015. Collection method: not provided. Allele origin: germline. Inheritance: Autosomal dominant inheritance. Affected: yes.